The following is an entry in ClinVar:

ClinVar aggregate classification (germline): Uncertain significance (1 of 4 stars; one submission).

Conditions:
Hereditary diffuse gastric adenocarcinoma (HDGC). Also called: DIFFUSE GASTRIC AND LOBULAR BREAST CANCER SYNDROME. Identifiers: Orphanet 26106, MedGen C1708349, MONDO:0007648, OMIM 137215.

Submission:

Labcorp Genetics (formerly Invitae), Labcorp
Classification: Uncertain significance for Hereditary diffuse gastric adenocarcinoma. Last evaluated: 2021-09-23. Review status: criteria provided, single submitter. Criteria: Invitae Variant Classification Sherloc (09022015). Collection method: clinical testing. Allele origin: germline.
Comment: This sequence change replaces glutamic acid with aspartic acid at codon 482 of the CDH1 protein (p.Glu482Asp). The glutamic acid residue is highly conserved and there is a small physicochemical difference between glutamic acid and aspartic acid. This variant is not present in population databases (ExAC no frequency). This variant has not been reported in the literature in individuals affected with CDH1-related conditions. Algorithms developed to predict the effect of missense changes on protein structure and function (SIFT, PolyPhen-2, Align-GVGD) all suggest that this variant is likely to be disruptive. In summary, the available evidence is currently insufficient to determine the role of this variant in disease. Therefore, it has been classified as a Variant of Uncertain Significance.

NM_004360.5(CDH1):c.1446A>C (p.Glu482Asp)

Gene: CDH1 (cadherin 1; plus strand). Cytogenetic location: 16q22.1.
Variant type: single nucleotide variant.
Coding change: c.1446A>C on transcript NM_004360.5 (MANE Select); coding-DNA position 1446, A replaced by C.
Protein change: p.Glu482Asp; replaces glutamic acid 482 with aspartic acid.
Molecular consequence: missense variant. On other transcripts: 5 prime UTR variant (2).
Genome position (GRCh38, 1-based): chr16:68,815,640, A>C. VCF-style: chr16-68815640-A-C. GRCh37 (hg19) VCF-style: chr16-68849543-A-C.
Other names: c.1263A>C, p.Glu421Asp (NM_001317184.2); c.-103A>C (NM_001317185.2); c.-374A>C (NM_001317186.2); short protein forms E421D, E482D.
Identifiers: ClinVar variation 1460682 (VCV001460682.6), dbSNP rs863224724, ClinGen allele CA396463046.